The following is an entry in ClinVar:

ClinVar aggregate classification (germline): Uncertain significance (1 of 4 stars; one submission).

Conditions:
Hereditary cancer-predisposing syndrome. Also called: Neoplastic Syndromes, Hereditary; Tumor predisposition; Hereditary neoplastic syndrome; Hereditary Cancer Syndrome. Identifiers: Orphanet 140162, MedGen C0027672, MeSH D009386, MONDO:0015356.

Submission:

Ambry Genetics
Classification: Uncertain significance for Hereditary cancer-predisposing syndrome. Last evaluated: 2025-08-25. Review status: criteria provided, single submitter. Criteria: Ambry Variant Classification Scheme 2023. Collection method: clinical testing. Allele origin: germline.
Comment: The p.Q2874E variant (also known as c.8620C>G), located in coding exon 58 of the ATM gene, results from a C to G substitution at nucleotide position 8620. The glutamine at codon 2874 is replaced by glutamic acid, an amino acid with highly similar properties. This amino acid position is conserved. In addition, the in silico prediction for this alteration is inconclusive. Based on the available evidence, the clinical significance of this variant remains unclear.

NM_000051.4(ATM):c.8620C>G (p.Gln2874Glu)

Genes: ATM (ATM serine/threonine kinase; plus strand), C11orf65 (chromosome 11 open reading frame 65; minus strand). Cytogenetic location: 11q22.3.
Variant type: single nucleotide variant.
Coding change: c.8620C>G on transcript NM_000051.4 (MANE Select); coding-DNA position 8620, C replaced by G.
Protein change: p.Gln2874Glu; replaces glutamine 2874 with glutamic acid.
Molecular consequence: missense variant. On other transcripts: intron variant (2).
Genome position (GRCh38, 1-based): chr11:108,347,314, C>G. VCF-style: chr11-108347314-C-G. GRCh37 (hg19) VCF-style: chr11-108218041-C-G.
Other names: c.8620C>G, p.Gln2874Glu (NM_001351834.2); c.641-38243G>C (NM_001330368.2); c.695-12022G>C (NM_001351110.2); short protein forms Q2874E.
Identifiers: ClinVar variation 4170222 (VCV004170222.1).